The following is an entry in ClinVar:

ClinVar aggregate classification (germline): Pathogenic (1 of 4 stars; one submission).

Conditions:
Hereditary cancer-predisposing syndrome. Also called: Neoplastic Syndromes, Hereditary; Tumor predisposition; Hereditary Cancer Syndrome; Hereditary neoplastic syndrome. Identifiers: Orphanet 140162, MedGen C0027672, MeSH D009386, MONDO:0015356.

Submission:

Ambry Genetics
Classification: Pathogenic for Hereditary cancer-predisposing syndrome. Last evaluated: 2018-03-22. Review status: criteria provided, single submitter. Criteria: Ambry Variant Classification Scheme 2023. Collection method: clinical testing. Allele origin: germline.
Comment: The c.2119delT variant, located in coding exon 12 of the PMS2 gene, results from a deletion of one nucleotide at nucleotide position 2119, causing a translational frameshift with a predicted alternate stop codon (p.Y707Ifs*18). This alteration is expected to result in loss of function by premature protein truncation or nonsense-mediated mRNA decay. As such, this alteration is interpreted as a disease-causing mutation.

NM_000535.7(PMS2):c.2119del (p.Tyr707fs)

Gene: PMS2 (PMS1 homolog 2, mismatch repair system component; minus strand). Cytogenetic location: 7p22.1.
Variant type: Deletion.
Coding change: c.2119del on transcript NM_000535.7 (MANE Select); coding-DNA position 2119, one base deleted (T; older notation c.2119delT).
Protein change: p.Tyr707fs; shifts the reading frame from tyrosine 707.
Molecular consequence: frameshift variant. On other transcripts: non-coding transcript variant (1).
Genome position (GRCh38, 1-based): chr7:5,982,879, A deleted on the plus strand (T on the coding strand, the reverse complement: PMS2 is on the minus strand). VCF-style (leftmost placement, unchanged base first): chr7-5982878-TA-T. GRCh37 (hg19) VCF-style: chr7-6022509-TA-T.
Other names: c.1714delT, p.Tyr572Ilefs (NM_001018040.1, NM_001406887.1, NM_001406888.1 and 11 more transcripts); c.1714del, p.Tyr572fs (NM_001322003.2, NM_001322004.2, NM_001322005.2 and 1 more transcripts); c.1963del, p.Tyr655fs (NM_001322006.2); c.1801del, p.Tyr601fs (NM_001322007.2, NM_001322008.2); c.1558del, p.Tyr520fs (NM_001322010.2); c.1186del, p.Tyr396fs (NM_001322011.2, NM_001322012.2); c.1546del, p.Tyr516fs (NM_001322013.2); c.2119del, p.Tyr707fs (NM_001322014.2); and 20 more; short protein forms Y520fs, Y655fs, Y707fs, Y396fs, Y604fs, Y516fs, Y572fs, Y601fs.
Identifiers: ClinVar variation 1786204 (VCV001786204.2), dbSNP rs2535536735, ClinGen allele CA2580076762.